The following is an entry in ClinVar:

ClinVar aggregate classification (germline): Uncertain significance (1 of 4 stars; one submission).

Conditions:
Alagille syndrome due to a JAG1 point mutation. Also called: HEPATIC DUCTULAR HYPOPLASIA, SYNDROMATIC; JAG1-Related Alagille Syndrome; Alagille Syndrome 1. Identifiers: Orphanet 261619, Orphanet 52, MedGen C1956125, MONDO:0016862, OMIM 118450.

Submissions (2):

Labcorp Genetics (formerly Invitae), Labcorp
Classification: Uncertain significance for Alagille syndrome due to a JAG1 point mutation. Last evaluated: 2022-07-26. Review status: criteria provided, single submitter. Criteria: Invitae Variant Classification Sherloc (09022015). Collection method: clinical testing. Allele origin: germline.
Comment: ClinVar contains an entry for this variant (Variation ID: 1015804). In summary, the available evidence is currently insufficient to determine the role of this variant in disease. Therefore, it has been classified as a Variant of Uncertain Significance. Advanced modeling of protein sequence and biophysical properties (such as structural, functional, and spatial information, amino acid conservation, physicochemical variation, residue mobility, and thermodynamic stability) performed at Invitae indicates that this missense variant is not expected to disrupt JAG1 protein function. This variant has not been reported in the literature in individuals affected with JAG1-related conditions. This variant is not present in population databases (gnomAD no frequency). This sequence change replaces serine, which is neutral and polar, with asparagine, which is neutral and polar, at codon 239 of the JAG1 protein (p.Ser239Asn).

Gilbert/Spinner Lab, Children's Hospital of Philadelphia
No classification provided (evidence only). Condition: Alagille syndrome. Review status: no classification provided. Collection method: research. Allele origin: not applicable. Functional consequence: functionally_abnormal. Not counted in ClinVar's aggregate classification.
ClinVar note: "not provided" was previously submitted as the classification for the variant. However, the classification appeared to be based only on an observation of functional data so it was converted to no classification on 2025-07-30.

NM_000214.3(JAG1):c.716G>A (p.Ser239Asn)

Gene: JAG1 (jagged canonical Notch ligand 1; minus strand). Cytogenetic location: 20p12.2.
Variant type: single nucleotide variant.
Coding change: c.716G>A on transcript NM_000214.3 (MANE Select); coding-DNA position 716, G replaced by A.
Protein change: p.Ser239Asn; replaces serine 239 with asparagine.
Molecular consequence: missense variant.
Genome position (GRCh38, 1-based): chr20:10,656,437, C>T on the plus strand (G>A on the coding strand, the complement: JAG1 is on the minus strand). VCF-style: chr20-10656437-C-T. GRCh37 (hg19) VCF-style: chr20-10637085-C-T.
Other names: short protein forms S239N.
Identifiers: ClinVar variation 1015804 (VCV001015804.10), dbSNP rs2067379682, ClinGen allele CA408239824.
Genomic context (GRCh38, chr20:10,656,437, plus strand): 5'-ACAAAAGACCAGTTGATTTACCTGCAGTCACCTGGGAGTTTGCAAGACCCATGCTTAGGA[C>T]TGCAGCCTTGTCGGCAAATAGCTGTAAAAAACAGAGAAGGGCGTGTCAGCACACTGCCTG-3'
Protein context (NP_000205.1, residues 229-249): CNRAICRQGC[Ser239Asn]PKHGSCKLPG